The following is an entry in ClinVar:

ClinVar aggregate classification (germline): Uncertain significance (1 of 4 stars; one submission).

Conditions:
Ataxia-telangiectasia syndrome (AT). Also called: Ataxia-telangiectasia, complementation group D; AT, COMPLEMENTATION GROUP C; ATAXIA-TELANGIECTASIA, COMPLEMENTATION GROUP A; ATAXIA-TELANGIECTASIA, FRESNO VARIANT; Ataxia-telangiectasia; Ataxia telangiectasia (A-T). Identifiers: Orphanet 100, MedGen C0004135, MONDO:0008840, OMIM 208900.

gnomAD v4.1: 1 of 1,614,094 alleles (0.000062%); no homozygotes.

Submission:

Labcorp Genetics (formerly Invitae), Labcorp
Classification: Uncertain significance for Ataxia-telangiectasia syndrome. Last evaluated: 2025-10-22. Review status: criteria provided, single submitter. Criteria: Invitae Variant Classification Sherloc (09022015). Collection method: clinical testing. Allele origin: germline.
Comment: This sequence change replaces valine, which is neutral and non-polar, with phenylalanine, which is neutral and non-polar, at codon 2284 of the ATM protein (p.Val2284Phe). This variant is not present in population databases (gnomAD no frequency). This variant has not been reported in the literature in individuals affected with ATM-related conditions. ClinVar contains an entry for this variant (Variation ID: 944802). Invitae Evidence Modeling of protein sequence and biophysical properties (such as structural, functional, and spatial information, amino acid conservation, physicochemical variation, residue mobility, and thermodynamic stability) indicates that this missense variant is not expected to disrupt ATM protein function with a negative predictive value of 95%. In summary, the available evidence is currently insufficient to determine the role of this variant in disease. Therefore, it has been classified as a Variant of Uncertain Significance.

NM_000051.4(ATM):c.6850G>T (p.Val2284Phe)

Genes: ATM (ATM serine/threonine kinase; plus strand), C11orf65 (chromosome 11 open reading frame 65; minus strand). Cytogenetic location: 11q22.3.
Variant type: single nucleotide variant.
Coding change: c.6850G>T on transcript NM_000051.4 (MANE Select); coding-DNA position 6850, G replaced by T.
Protein change: p.Val2284Phe; replaces valine 2284 with phenylalanine.
Molecular consequence: missense variant. On other transcripts: intron variant (2).
Genome position (GRCh38, 1-based): chr11:108,326,100, G>T. VCF-style: chr11-108326100-G-T. GRCh37 (hg19) VCF-style: chr11-108196827-G-T.
Other names: c.6850G>T, p.Val2284Phe (NM_001351834.2); c.641-17029C>A (NM_001330368.2); c.*38+9120C>A (NM_001351110.2); short protein forms V2284F.
Identifiers: ClinVar variation 944802 (VCV000944802.8), dbSNP rs2085651553, ClinGen allele CA382556664.
Genomic context (GRCh38, chr11:108,326,100, plus strand): 5'-ATGTCATTTTCATTTCAGCTCCCTGAAAGGGCAATATTTCAAATTAAACAGTACAATTCA[G>T]TTAGCTGTGGAGTCTCTGAGTGGCAGCTGGAAGAAGCACAAGTATTCTGGGCAAAAAAGG-3'
Protein context (NP_000042.3, residues 2274-2294): AIFQIKQYNS[Val2284Phe]SCGVSEWQLE